The following is an entry in ClinVar:

NM_015102.5(NPHP4):c.1788_1791del (p.Ser597fs)

Gene: NPHP4 (nephrocystin 4; minus strand). Cytogenetic location: 1p36.31.
Variant type: Deletion.
Coding change: c.1788_1791del on transcript NM_015102.5 (MANE Select); coding-DNA positions 1788 to 1791, 4 bases deleted (CTCC; older notation c.1788_1791delCTCC).
Protein change: p.Ser597fs; shifts the reading frame from serine 597.
Molecular consequence: frameshift variant. On other transcripts: non-coding transcript variant (1).
Genome position (GRCh38, 1-based): chr1:5,905,456-5,905,459, GGAG deleted on the plus strand (CTCC on the coding strand, the reverse complement: NPHP4 is on the minus strand); deleting any 4 consecutive bases within chr1:5,905,456-5,905,460 gives the same sequence; the c. name uses the placement nearest the transcript's 3' end. VCF-style (leftmost placement, unchanged base first): chr1-5905455-TGGAG-T. GRCh37 (hg19) VCF-style: chr1-5965515-TGGAG-T.
Other names: c.249_252del, p.Ser84fs (NM_001291593.2); c.252_255del, p.Ser85fs (NM_001291594.2); short protein forms S597fs, S84fs, S85fs.
Identifiers: ClinVar variation 225422 (VCV000225422.2), dbSNP rs747699128, ClinGen allele CA554364.

ClinVar aggregate classification (germline): Pathogenic/Likely pathogenic. Review status: criteria provided, multiple submitters, no conflicts (2 of 4 stars). 2 submissions from 2 submitters: Pathogenic (1); Likely pathogenic (1). Last evaluated 2025-09-23.

Conditions:
Senior-Loken syndrome 4 (SLSN4). Identifiers: Orphanet 3156, MedGen C1846979, MONDO:0011756, OMIM 606996.
Nephronophthisis 4 (NPHP4). Also called: NEPHRONOPHTHISIS 4, JUVENILE. Identifiers: Orphanet 655, MedGen C1847013, MONDO:0011752, OMIM 606966.

Submissions (2):

3billion
Classification: Pathogenic for Nephronophthisis 4. Last evaluated: 2025-09-23. Review status: criteria provided, single submitter. Criteria: ACMG Guidelines, 2015. Collection method: clinical testing. Allele origin: germline. Affected: yes.
Comment: The variant is observed at an extremely low frequency in the gnomAD v4.1.0 dataset (total allele frequency: <0.001%). Predicted Consequence/Location: Frameshift: predicted to result in a loss or disruption of normal protein function through nonsense-mediated decay (NMD) or protein truncation. Multiple pathogenic variants are reported downstream of the variant. The variant has been reported to be associated with NPHP4-related disorder (ClinVar ID: VCV000225422). Therefore, this variant is classified as Pathogenic according to the recommendation of ACMG/AMP guideline.

Soonchunhyang University Bucheon Hospital, Soonchunhyang University Medical Center
Classification: Likely pathogenic for Nephronophthisis 4; Senior-Loken syndrome 4. Last evaluated: 2016-03-18. Review status: criteria provided, single submitter. Criteria: ACMG Guidelines, 2015. Collection method: reference population. Allele origin: germline. Observed: 1 variant allele.

Literature cited by the submitters: PubMed 12205563 (cited by Soonchunhyang University Bucheon Hospital, Soonchunhyang University Medical Center).